The following is an entry in ClinVar:

NM_002880.4(RAF1):c.1108+15C>T

Gene: RAF1 (Raf-1 proto-oncogene, serine/threonine kinase; minus strand). Cytogenetic location: 3p25.2.
Variant type: single nucleotide variant.
Coding change: c.1108+15C>T on transcript NM_002880.4 (MANE Select); 15 bases into the intron after coding-DNA position 1108, C replaced by T.
Molecular consequence: intron variant.
Genome position (GRCh38, 1-based): chr3:12,599,676, G>A on the plus strand (C>T on the coding strand, the complement: RAF1 is on the minus strand). VCF-style: chr3-12599676-G-A. GRCh37 (hg19) VCF-style: chr3-12641175-G-A.
Other names: c.766+15C>T (NM_001354695.3); c.865+15C>T (NM_001354692.3, NM_001354691.3); c.925+15C>T (NM_001354694.3); c.1009+15C>T (NM_001354693.3); c.1168+15C>T (NM_001354689.3); c.1108+15C>T (NM_001354690.3).
Identifiers: ClinVar variation 165007 (VCV000165007.11), dbSNP rs727503383, ClinGen allele CA177678.

ClinVar aggregate classification (germline): Likely benign. Review status: criteria provided, multiple submitters, no conflicts (2 of 4 stars). 4 submissions from 4 submitters: Likely benign (4). Last evaluated 2025-02-20.

Conditions:
RASopathy. Also called: Noonan spectrum disorder; rasopathies. Identifiers: Orphanet 536391, MedGen C5555857, MONDO:0021060.

Allele frequency attached by ClinVar (database versions not stated): ExAC 0.00002; gnomAD exomes 0.00002 and 0.00003; TOPMed 0.00002; gnomAD 0.00003.

Submissions (4):

Labcorp Genetics (formerly Invitae), Labcorp
Classification: Likely benign for RASopathy. Last evaluated: 2025-02-20. Review status: criteria provided, single submitter. Criteria: Invitae Variant Classification Sherloc (09022015). Collection method: clinical testing. Allele origin: germline.

Women's Health and Genetics/Laboratory Corporation of America, LabCorp
Classification: Likely benign. Last evaluated: 2024-12-16. Review status: criteria provided, single submitter. Criteria: LabCorp Variant Classification Summary - May 2015. Collection method: clinical testing. Allele origin: germline.

Blueprint Genetics
Classification: Likely benign. Last evaluated: 2021-05-20. Review status: criteria provided, single submitter. Criteria: ACMG Guidelines, 2015. Collection method: clinical testing. Allele origin: germline.

Laboratory for Molecular Medicine, Mass General Brigham Personalized Medicine
Classification: Likely benign. Last evaluated: 2014-08-18. Review status: criteria provided, single submitter. Criteria: LMM Criteria. Collection method: clinical testing. Allele origin: germline. Observed: 1 variant allele.
Comment: 1108+15C>T in intron 10 of RAF1: This variant is not expected to have clinical significance because a C>T change at this position does not diverge from the spl ice consensus sequence and is therefore unlikely to impact splicing.